The following is an entry in ClinVar:

NM_000368.5(TSC1):c.2039G>A (p.Gly680Glu)

Gene: TSC1 (TSC complex subunit 1; minus strand). Cytogenetic location: 9q34.13.
Variant type: single nucleotide variant.
Coding change: c.2039G>A on transcript NM_000368.5 (MANE Select); coding-DNA position 2039, G replaced by A.
Protein change: p.Gly680Glu; replaces glycine 680 with glutamic acid.
Molecular consequence: missense variant.
Genome position (GRCh38, 1-based): chr9:132,904,413, C>T on the plus strand (G>A on the coding strand, the complement: TSC1 is on the minus strand). VCF-style: chr9-132904413-C-T. GRCh37 (hg19) VCF-style: chr9-135779800-C-T.
Other names: c.2036G>A, p.Gly679Glu (NM_001162426.2); c.1886G>A, p.Gly629Glu (NM_001162427.2); c.1676G>A, p.Gly559Glu (NM_001362177.2); short protein forms G680E, G629E, G559E, G679E.
Identifiers: ClinVar variation 48876 (VCV000048876.15), dbSNP rs118203623, ClinGen allele CA005810.

ClinVar aggregate classification (germline): Conflicting classifications of pathogenicity. Review status: criteria provided, conflicting classifications (1 of 4 stars). 6 submissions from 6 submitters: Uncertain significance (4); Likely benign (1). 1 of the submissions does not count toward it. Last evaluated 2025-08-14.

Conditions:
Hereditary cancer-predisposing syndrome. Also called: Neoplastic Syndromes, Hereditary; Tumor predisposition; Hereditary Cancer Syndrome; Hereditary neoplastic syndrome. Identifiers: Orphanet 140162, MedGen C0027672, MeSH D009386, MONDO:0015356.
Tuberous sclerosis syndrome (TSC). Also called: Tuberous Sclerosis Complex; Tuberous sclerosis. Identifiers: Orphanet 805, MedGen C0041341, MONDO:0001734.
Tuberous sclerosis 1 (TSC1). Identifiers: Orphanet 805, MedGen C1854465, MONDO:0008612, OMIM 191100.

Allele frequency attached by ClinVar (database versions not stated): gnomAD exomes 0.00001.
gnomAD v4.1: 6 of 1,613,964 alleles (0.00037%); highest among the groups gnomAD compares: Non-Finnish European, 0.00042%; no homozygotes.

Submissions (6):

Labcorp Genetics (formerly Invitae), Labcorp
Classification: Likely benign for Tuberous sclerosis 1. Last evaluated: 2025-08-14. Review status: criteria provided, single submitter. Criteria: Invitae Variant Classification Sherloc (09022015). Collection method: clinical testing. Allele origin: germline.

Color Diagnostics, LLC DBA Color Health
Classification: Uncertain significance for Tuberous sclerosis syndrome. Last evaluated: 2025-06-12. Review status: criteria provided, single submitter. Criteria: ACMG Guidelines, 2015. Collection method: clinical testing. Allele origin: germline.
Comment: This missense variant replaces glycine with glutamic acid at codon 680 of the TSC1 protein. Computational prediction suggests that this variant may have deleterious impact on protein structure and function. To our knowledge, functional studies have not been reported for this variant. This variant has been reported in individuals affected with tuberous sclerosis in the literature (PMID: 9803264, 10363127). This variant has not been identified in the general population by the Genome Aggregation Database (gnomAD). The available evidence is insufficient to determine the role of this variant in disease conclusively. Therefore, this variant is classified as a Variant of Uncertain Significance.

Ambry Genetics
Classification: Uncertain significance for Hereditary cancer-predisposing syndrome. Last evaluated: 2024-01-03. Review status: criteria provided, single submitter. Criteria: Ambry Variant Classification Scheme 2023. Collection method: clinical testing. Allele origin: germline.
Comment: The p.G680E variant (also known as c.2039G>A), located in coding exon 14 of the TSC1 gene, results from a G to A substitution at nucleotide position 2039. The glycine at codon 680 is replaced by glutamic acid, an amino acid with similar properties. This alteration, designated as DNA change G2260A (protein change: G680E), was detected with an allele frequency of 0.6% in a cohort of 79 patients satisfying established diagnostic criteria for tuberous sclerosis. The alteration is described as a non-pathogenic polymorphism by study authors (Young JM et al. Ann. Hum. Genet., 1998 May;62:203-13). This amino acid position is highly conserved in available vertebrate species. In addition, this alteration is predicted to be deleterious by in silico analysis. Since supporting evidence is limited at this time, the clinical significance of this alteration remains unclear.

All of Us Research Program, National Institutes of Health
Classification: Uncertain significance for Tuberous sclerosis syndrome. Last evaluated: 2023-09-09. Review status: criteria provided, single submitter. Criteria: ACMG Guidelines, 2015. Collection method: clinical testing. Allele origin: germline. Inheritance: Autosomal dominant inheritance. Observed: 1 variant allele, 1 heterozygote.
Comment: This study involves interpretation of variants in research participants for the purpose of population health screening. Participant phenotype was not available at the time of variant classification. Additional details can be found in publication PMID: 35346344, PMCID: PMC8962531

Sema4
Classification: Uncertain significance for Hereditary cancer-predisposing syndrome. Last evaluated: 2021-05-21. Review status: criteria provided, single submitter. Criteria: Sema4 Curation Guidelines. Collection method: curation. Allele origin: germline.
Comment: The TSC1 c.2039G>A (p.G680E) variant has been reported in at least two individuals diagnosed with tuberous sclerosis, however both reports classify this variant as a polymorphism without providing clear evidence (PMID: 10363127, 9803264). It was not observed in the large and broad cohorts of the Genome Aggregation Database (PMID: 32461654). The variant has been reported in ClinVar (Variation ID 48876). In silico tools suggest the impact of the variant on protein function is deleterious, though these predictions have not been confirmed by functional studies. The evidence is insufficient to meet ACMG/AMP criteria for classifying the variant as benign or pathogenic. Thus, the clinical significance of this variant is currently uncertain.

Tuberous sclerosis database (TSC1)
No classification provided. Condition: TSC. Review status: no classification provided. Criteria: Tuberous Sclerosis Database Assertion Criteria 2015. Collection method: curation. Allele origin: germline. Affected: yes. Not counted in ClinVar's aggregate classification.

Literature cited by the submitters: PubMed 9803264 (cited by 3 submitters); PubMed 10363127 (cited by 3 submitters).